The following is an entry in ClinVar:

NM_004369.4(COL6A3):c.4163T>C (p.Val1388Ala)

Gene: COL6A3 (collagen type VI alpha 3 chain; minus strand). Cytogenetic location: 2q37.3.
Variant type: single nucleotide variant.
Coding change: c.4163T>C on transcript NM_004369.4 (MANE Select); coding-DNA position 4163, T replaced by C.
Protein change: p.Val1388Ala; replaces valine 1388 with alanine.
Molecular consequence: missense variant.
Genome position (GRCh38, 1-based): chr2:237,371,854, A>G on the plus strand (T>C on the coding strand, the complement: COL6A3 is on the minus strand). VCF-style: chr2-237371854-A-G. GRCh37 (hg19) VCF-style: chr2-238280497-A-G.
Other names: c.2942T>C, p.Val981Ala (NM_057164.5); c.3545T>C, p.Val1182Ala (NM_057165.5, NM_057167.4); c.2342T>C, p.Val781Ala (NM_057166.5); short protein forms V1388A, V981A, V1182A, V781A.
Identifiers: ClinVar variation 2041270 (VCV002041270.4), dbSNP rs1005321506, ClinGen allele CA67818729.
Genomic context (GRCh38, chr2:237,371,854, plus strand): 5'-ATGGGCGTCAGCAGTTTCTGCTCCAGGCTGGGCAGCTCCCGGAAGGTGCTCACCGAGAAC[A>G]CATATTCGGGGCTCAGCGAGATCTTCACCAGCTCCTCCTGGTCTGCGTTCCTGGCGATCG-3'
Protein context (NP_004360.2, residues 1378-1398): LVKISLSPEY[Val1388Ala]FSVSTFRELP

ClinVar aggregate classification (germline): Uncertain significance (1 of 4 stars; one submission).

Conditions:
Bethlem myopathy 1A. Also called: MYOPATHY, BENIGN CONGENITAL, WITH CONTRACTURES; Bethlem Muscular Dystrophy; Bethlem myopathy 1. Identifiers: Orphanet 610, MedGen CN029274, MONDO:0024530, OMIM 158810.

Allele frequency attached by ClinVar (database versions not stated): gnomAD exomes below 0.00001; gnomAD 0.00001; TOPMed 0.00001.
gnomAD v4.1: 3 of 1,612,328 alleles (0.00019%); highest among the groups gnomAD compares: Admixed American, 0.0017%; no homozygotes.

Submission:

Labcorp Genetics (formerly Invitae), Labcorp
Classification: Uncertain significance for Bethlem myopathy 1A. Last evaluated: 2022-12-15. Review status: criteria provided, single submitter. Criteria: Invitae Variant Classification Sherloc (09022015). Collection method: clinical testing. Allele origin: germline.
Comment: This sequence change replaces valine, which is neutral and non-polar, with alanine, which is neutral and non-polar, at codon 1388 of the COL6A3 protein (p.Val1388Ala). This variant is not present in population databases (gnomAD no frequency). This variant has not been reported in the literature in individuals affected with COL6A3-related conditions. Advanced modeling of protein sequence and biophysical properties (such as structural, functional, and spatial information, amino acid conservation, physicochemical variation, residue mobility, and thermodynamic stability) performed at Invitae indicates that this missense variant is not expected to disrupt COL6A3 protein function. In summary, the available evidence is currently insufficient to determine the role of this variant in disease. Therefore, it has been classified as a Variant of Uncertain Significance.